The following is an entry in ClinVar:

NM_014855.3(AP5Z1):c.630C>G (p.Pro210=)

Gene: AP5Z1 (adaptor related protein complex 5 subunit zeta 1; plus strand). Cytogenetic location: 7p22.1.
Variant type: single nucleotide variant.
Coding change: c.630C>G on transcript NM_014855.3 (MANE Select); coding-DNA position 630, C replaced by G.
Protein change: p.Pro210=; no amino-acid change (proline 210 retained).
Molecular consequence: synonymous variant. On other transcripts: non-coding transcript variant (1).
Genome position (GRCh38, 1-based): chr7:4,784,211, C>G. VCF-style: chr7-4784211-C-G. GRCh37 (hg19) VCF-style: chr7-4823842-C-G.
Other names: c.162C>G, p.Pro54= (NM_001364858.1).
Identifiers: ClinVar variation 3256755 (VCV003256755.1).
Genomic context (GRCh38, chr7:4,784,211, plus strand): 5'-GTTTTTCCCGGCCTCGGCCCCCTCCGCCCACTCCTGCCTGTCCTTCCCACAGCCGGGCCC[C>G]GTCACCGAGGTGGACGGGGCGGTAGCCACAGACTTCTTCACGGTGCTCTCCAGCGGCCAC-3'
Protein context (NP_055670.1, residues 200-220): FSTPRARQPG[Pro210=]VTEVDGAVAT

ClinVar aggregate classification (germline): Likely pathogenic (0 of 4 stars; one submission).

Conditions:
Hereditary spastic paraplegia 48. Also called: SPASTIC PARAPLEGIA 48, AUTOSOMAL RECESSIVE; Spastic paraplegia 48. Identifiers: Orphanet 306511, MedGen C3150901, MONDO:0013342, OMIM 613647.

gnomAD v4.1: 1 of 1,583,120 alleles (0.000063%); highest among the groups gnomAD compares: Non-Finnish European, 0.000086%; no homozygotes.

Submission:

Solve-RD Consortium
Classification: Likely pathogenic for Hereditary spastic paraplegia 48. Last evaluated: 2022-06-01. Review status: no assertion criteria provided. Collection method: provider interpretation. Allele origin: inherited. Affected: yes.
Comment: Variant confirmed as disease-causing by referring clinical team

Variant identified during reanalysis of unsolved cases by the Solve-RD project. The Solve-RD project has received funding from the European Union’s Horizon 2020 research and innovation programme under grant agreement No 779257.

Literature cited by the submitters: PubMed 39825153.